The following is an entry in ClinVar:

ClinVar aggregate classification (germline): Uncertain significance (1 of 4 stars; one submission).

Conditions:
Dilated cardiomyopathy 1KK (CMD1KK). Identifiers: Orphanet 154, Orphanet 75249, MedGen C3714995, MONDO:0014100, OMIM 615248.

gnomAD v4.1: 1 of 1,613,966 alleles (0.000062%); highest among the groups gnomAD compares: Non-Finnish European, 0.000085%; no homozygotes.

Submission:

Labcorp Genetics (formerly Invitae), Labcorp
Classification: Uncertain significance for Dilated cardiomyopathy 1KK. Last evaluated: 2024-02-23. Review status: criteria provided, single submitter. Criteria: Invitae Variant Classification Sherloc (09022015). Collection method: clinical testing. Allele origin: germline.
Comment: This sequence change replaces proline, which is neutral and non-polar, with serine, which is neutral and polar, at codon 1101 of the MYPN protein (p.Pro1101Ser). This variant is not present in population databases (gnomAD no frequency). This variant has not been reported in the literature in individuals affected with MYPN-related conditions. ClinVar contains an entry for this variant (Variation ID: 1959587). An algorithm developed to predict the effect of missense changes on protein structure and function (PolyPhen-2) suggests that this variant¬†is likely to be tolerated. In summary, the available evidence is currently insufficient to determine the role of this variant in disease. Therefore, it has been classified as a Variant of Uncertain Significance.

NM_032578.4(MYPN):c.3301C>T (p.Pro1101Ser)

Gene: MYPN (myopalladin; plus strand). Cytogenetic location: 10q21.3.
Variant type: single nucleotide variant.
Coding change: c.3301C>T on transcript NM_032578.4 (MANE Select); coding-DNA position 3301, C replaced by T.
Protein change: p.Pro1101Ser; replaces proline 1101 with serine.
Molecular consequence: missense variant. On other transcripts: non-coding transcript variant (2).
Genome position (GRCh38, 1-based): chr10:68,199,383, C>T. VCF-style: chr10-68199383-C-T. GRCh37 (hg19) VCF-style: chr10-69959140-C-T.
Other names: c.3301C>T, p.Pro1101Ser (NM_001256267.2); c.2419C>T, p.Pro807Ser (NM_001256268.2); short protein forms P1101S, P807S.
Identifiers: ClinVar variation 1959587 (VCV001959587.3), dbSNP rs1284303981, ClinGen allele CA376858907.